The following is an entry in ClinVar:

NM_007327.4(GRIN1):c.1921A>T (p.Met641Leu)

Gene: GRIN1 (glutamate ionotropic receptor NMDA type subunit 1; plus strand). Cytogenetic location: 9q34.3.
Variant type: single nucleotide variant.
Coding change: c.1921A>T on transcript NM_007327.4 (MANE Select); coding-DNA position 1921, A replaced by T.
Protein change: p.Met641Leu; replaces methionine 641 with leucine.
Molecular consequence: missense variant.
Genome position (GRCh38, 1-based): chr9:137,162,647, A>T. VCF-style: chr9-137162647-A-T. GRCh37 (hg19) VCF-style: chr9-140057099-A-T.
Other names: c.1921A>T, p.Met641Leu (NM_000832.7, NM_021569.4); c.1984A>T, p.Met662Leu (NM_001185090.2, NM_001185091.2); short protein forms M641L, M662L.
Identifiers: ClinVar variation 1700197 (VCV001700197.4), dbSNP rs2131299136, ClinGen allele CA375720621.

ClinVar aggregate classification (germline): Pathogenic. Review status: criteria provided, multiple submitters, no conflicts (2 of 4 stars). 4 submissions from 4 submitters: Pathogenic (2). 2 of the submissions do not count toward it. Last evaluated 2023-08-07.

Conditions:
Developmental and epileptic encephalopathy 101 (DEE101). Identifiers: MedGen C5676955, MONDO:0030727, OMIM 619814.
Neurodevelopmental disorder with or without hyperkinetic movements and seizures, autosomal dominant. Also called: Intellectual disability, autosomal dominant 8. Identifiers: MedGen C3280282, MONDO:0013655, OMIM 614254.

Submissions (4):

3billion
Classification: Pathogenic for Neurodevelopmental disorder with or without hyperkinetic movements and seizures, autosomal dominant. Last evaluated: 2023-08-07. Review status: criteria provided, single submitter. Criteria: ACMG Guidelines, 2015. Collection method: clinical testing. Allele origin: germline. Affected: yes.
Comment: The variant is not observed in the gnomAD v2.1.1 dataset. Predicted Consequence/Location: Missense changes are a common disease-causing mechanism. In silico tool predictions suggest damaging effect of the variant on gene or gene product [3Cnet: 0.91 (>=0.6, sensitivity 0.72 and precision 0.9)]. Same nucleotide change resulting in same amino acid change has been previously reported to be associated with GRIN1 related disorder (ClinVar ID: VCV001700197 /PMID: 30355546). The variant has been previously reported as de novo in a similarly affected individual (PMID: 30355546). Different missense changes at the same codon (p.Met641Ile, p.Met641Thr, p.Met641Val) have been reported as pathogenic/likely pathogenic with strong evidence (ClinVar ID: VCV000403957, VCV000828036, VCV001076783 /PMID: 25864721, 34884460 /3billion dataset). Therefore, this variant is classified as Pathogenic according to the recommendation of ACMG/AMP guideline.

Centre de Biologie Pathologie Génétique, Centre Hospitalier Universitaire de Lille
Classification: Pathogenic for Neurodevelopmental disorder with or without hyperkinetic movements and seizures, autosomal dominant. Review status: criteria provided, single submitter. Criteria: ACMG Guidelines, 2015. Collection method: clinical testing. Allele origin: de novo. Affected: yes.

Solve-RD Consortium
Classification: Likely pathogenic for Neurodevelopmental disorder with or without hyperkinetic movements and seizures, autosomal dominant. Last evaluated: 2022-06-01. Review status: no assertion criteria provided. Collection method: provider interpretation. Allele origin: inherited. Affected: yes. Not counted in ClinVar's aggregate classification.
Comment: Variant confirmed as disease-causing by referring clinical team

Variant identified during reanalysis of unsolved cases by the Solve-RD project. The Solve-RD project has received funding from the European Union’s Horizon 2020 research and innovation programme under grant agreement No 779257.

Fondazione Telethon, Telethon Institute of Genetics and Medicine
Classification: Pathogenic for Developmental and epileptic encephalopathy 101. Review status: no assertion criteria provided. Collection method: clinical testing. Allele origin: de novo. Inheritance: Autosomal dominant inheritance. Affected: yes. Not counted in ClinVar's aggregate classification.

Literature cited by the submitters: PubMed 25864721 (cited by 3billion); PubMed 30355546 (cited by 3billion); PubMed 39825153 (cited by Solve-RD Consortium); PubMed 31219694 (cited by Fondazione Telethon, Telethon Institute of Genetics and Medicine).